The following is an entry in ClinVar:

ClinVar aggregate classification (germline): Benign/Likely benign. Review status: criteria provided, multiple submitters, no conflicts (2 of 4 stars). 9 submissions from 9 submitters: Benign (4); Likely benign (2). 3 of the submissions do not count toward it. Last evaluated 2026-01-26.

Conditions:
ALG13-related disorder. Also called: ALG13-related condition.
Inborn genetic diseases. Identifiers: MedGen C0950123, MeSH D030342.
Developmental and epileptic encephalopathy, 36 (DEE36). Also called: Epileptic encephalopathy, early infantile, 36; Congenital disorder of glycosylation, type Is; ALG13-CDG. Identifiers: Orphanet 324422, MedGen C4317295, MONDO:0010472, OMIM 300884.

Allele frequency attached by ClinVar (database versions not stated): 1000 Genomes Project 30x 0.00062; 1000 Genomes Project 0.00079; ESP Exome Variant Server 0.00086; TOPMed 0.00102; gnomAD 0.00166; gnomAD exomes 0.00207 and 0.00216; ExAC 0.00215.
gnomAD v4.1: 2,553 of 1,208,505 alleles (0.21%); highest among the groups gnomAD compares: Non-Finnish European, 0.22%; 3 homozygotes.

Submissions (9):

Labcorp Genetics (formerly Invitae), Labcorp
Classification: Benign for Developmental and epileptic encephalopathy, 36. Last evaluated: 2026-01-26. Review status: criteria provided, single submitter. Criteria: Invitae Variant Classification Sherloc (09022015). Collection method: clinical testing. Allele origin: germline.

Blueprint Genetics
Classification: Likely benign. Last evaluated: 2024-11-25. Review status: criteria provided, single submitter. Criteria: ACMG Guidelines, 2015. Collection method: clinical testing. Allele origin: germline.

Genome-Nilou Lab
Classification: Benign for Developmental and epileptic encephalopathy, 36. Last evaluated: 2021-12-05. Review status: criteria provided, single submitter. Criteria: ACMG Guidelines, 2015. Collection method: clinical testing. Allele origin: germline. Affected: no.

Athena Diagnostics
Classification: Likely benign. Last evaluated: 2019-04-08. Review status: criteria provided, single submitter. Criteria: Athena Diagnostics Criteria. Collection method: clinical testing. Allele origin: germline.

Ambry Genetics
Classification: Benign for Inborn genetic diseases. Last evaluated: 2017-05-31. Review status: criteria provided, single submitter. Criteria: Ambry Variant Classification Scheme 2023. Collection method: clinical testing. Allele origin: germline.

GeneDx
Classification: Benign. Last evaluated: 2017-02-09. Review status: criteria provided, single submitter. Criteria: GeneDx Variant Classification (06012015). Collection method: clinical testing. Allele origin: germline. Affected: yes.
Comment: This variant is considered likely benign or benign based on one or more of the following criteria: it is a conservative change, it occurs at a poorly conserved position in the protein, it is predicted to be benign by multiple in silico algorithms, and/or has population frequency not consistent with disease.

PreventionGenetics, part of Exact Sciences
Classification: Likely benign for ALG13-related condition. Last evaluated: 2019-03-01. Review status: no assertion criteria provided. Collection method: clinical testing. Allele origin: germline. Not counted in ClinVar's aggregate classification.
Comment: This variant is classified as likely benign based on ACMG/AMP sequence variant interpretation guidelines (Richards et al. 2015 PMID: 25741868, with internal and published modifications).

Clinical Genetics DNA and cytogenetics Diagnostics Lab, Erasmus MC, Erasmus Medical Center
Classification: Likely benign. Review status: no assertion criteria provided. Collection method: clinical testing. Allele origin: germline. Affected: yes. Study: VKGL Data-share Consensus. Not counted in ClinVar's aggregate classification.

Genome Diagnostics Laboratory, University Medical Center Utrecht
Classification: Likely benign. Review status: no assertion criteria provided. Collection method: clinical testing. Allele origin: germline. Affected: yes. Study: VKGL Data-share Consensus. Not counted in ClinVar's aggregate classification.

Literature cited by the submitters: PubMed 24476948 (cited by Athena Diagnostics).

NM_001099922.3(ALG13):c.2617G>C (p.Ala873Pro)

Gene: ALG13 (ALG13 UDP-N-acetylglucosaminyltransferase subunit; plus strand). Cytogenetic location: Xq23.
Variant type: single nucleotide variant.
Coding change: c.2617G>C on transcript NM_001099922.3 (MANE Select); coding-DNA position 2617, G replaced by C.
Protein change: p.Ala873Pro; replaces alanine 873 with proline.
Molecular consequence: missense variant. On other transcripts: non-coding transcript variant (1).
Genome position (GRCh38, 1-based): chrX:111,736,801, G>C. VCF-style: chrX-111736801-G-C. GRCh37 (hg19) VCF-style: chrX-110980029-G-C.
Other names: c.2305G>C, p.Ala769Pro (NM_001257230.2, NM_001257234.2, NM_001257237.2); c.2383G>C, p.Ala795Pro (NM_001257231.2); c.2617G>C, p.Ala873Pro (NM_001324292.2); c.2131G>C, p.Ala711Pro (NM_001324293.1); short protein forms A873P, A769P, A795P, A711P.
Identifiers: ClinVar variation 412610 (VCV000412610.23), dbSNP rs142841538, ClinGen allele CA10493946.